The following is an entry in ClinVar:

ClinVar aggregate classification (germline): Uncertain significance. Review status: criteria provided, multiple submitters, no conflicts (2 of 4 stars). 2 submissions from 2 submitters: Uncertain significance (2). Last evaluated 2022-12-13.

Conditions:
Primary ciliary dyskinesia. Also called: Ciliary dyskinesia. Identifiers: Orphanet 244, MedGen C0008780, MONDO:0016575, HP:0012265.

Allele frequency attached by ClinVar (database versions not stated): ExAC 0.00001; gnomAD 0.00001 and 0.00003; gnomAD exomes 0.00001 and 0.00002; TOPMed 0.00002; 1000 Genomes Project 30x 0.00016; 1000 Genomes Project 0.00020.
gnomAD v4.1: 19 of 1,614,184 alleles (0.0012%); highest among the groups gnomAD compares: African/African-American, 0.0053%; no homozygotes.

Submissions (2):

Ambry Genetics
Classification: Uncertain significance for Primary ciliary dyskinesia. Last evaluated: 2022-12-13. Review status: criteria provided, single submitter. Criteria: Ambry Variant Classification Scheme 2023. Collection method: clinical testing. Allele origin: germline.

Labcorp Genetics (formerly Invitae), Labcorp
Classification: Uncertain significance for Primary ciliary dyskinesia. Last evaluated: 2021-05-20. Review status: criteria provided, single submitter. Criteria: Invitae Variant Classification Sherloc (09022015). Collection method: clinical testing. Allele origin: germline.
Comment: In summary, the available evidence is currently insufficient to determine the role of this variant in disease. Therefore, it has been classified as a Variant of Uncertain Significance. Algorithms developed to predict the effect of missense changes on protein structure and function are either unavailable or do not agree on the potential impact of this missense change (SIFT: "Tolerated"; PolyPhen-2: "Probably Damaging"; Align-GVGD: "Class C0"). This variant has not been reported in the literature in individuals with CCDC40-related conditions. This variant is present in population databases (rs200236937, ExAC 0.01%). This sequence change replaces arginine with glutamine at codon 557 of the CCDC40 protein (p.Arg557Gln). The arginine residue is highly conserved and there is a small physicochemical difference between arginine and glutamine.

NM_017950.4(CCDC40):c.1670G>A (p.Arg557Gln)

Gene: CCDC40 (coiled-coil domain 40 molecular ruler complex subunit; plus strand). Cytogenetic location: 17q25.3.
Variant type: single nucleotide variant.
Coding change: c.1670G>A on transcript NM_017950.4 (MANE Select); coding-DNA position 1670, G replaced by A.
Protein change: p.Arg557Gln; replaces arginine 557 with glutamine.
Molecular consequence: missense variant.
Genome position (GRCh38, 1-based): chr17:80,081,653, G>A. VCF-style: chr17-80081653-G-A. GRCh37 (hg19) VCF-style: chr17-78055452-G-A.
Other names: c.1670G>A, p.Arg557Gln (NM_001243342.2); c.1670G>A (NM_017950.3); short protein forms R557Q.
Identifiers: ClinVar variation 1497396 (VCV001497396.9), dbSNP rs200236937, ClinGen allele CA8813995.